The following is an entry in ClinVar:

NM_000065.5(C6):c.830G>A (p.Ser277Asn)

Gene: C6 (complement C6; minus strand). Cytogenetic location: 5p13.1.
Variant type: single nucleotide variant.
Coding change: c.830G>A on transcript NM_000065.5 (MANE Select); coding-DNA position 830, G replaced by A.
Protein change: p.Ser277Asn; replaces serine 277 with asparagine.
Molecular consequence: missense variant.
Genome position (GRCh38, 1-based): chr5:41,181,456, C>T on the plus strand (G>A on the coding strand, the complement: C6 is on the minus strand). VCF-style: chr5-41181456-C-T. GRCh37 (hg19) VCF-style: chr5-41181558-C-T.
Other names: c.830G>A, p.Ser277Asn (NM_001115131.4); short protein forms S277N.
Identifiers: ClinVar variation 2102458 (VCV002102458.2), dbSNP rs1749337351, ClinGen allele CA359601885.
Genomic context (GRCh38, chr5:41,181,456, plus strand): 5'-GAATTATGGTTGATATTTTCACTTCTCTTTGAGGAATAAAAAATTGGTACACTGAAAGAG[C>T]TCCCCCCCTGACTTGAGAATGAGCCTTGTTGATTTTCATTGTGTCCAAGAGAAGTTAAAT-3'
Protein context (NP_000056.2, residues 267-287): QQGSFSSQGG[Ser277Asn]SFSVPIFYSS

ClinVar aggregate classification (germline): Uncertain significance (1 of 4 stars; one submission).

Allele frequency attached by ClinVar (database versions not stated): gnomAD exomes 0.00001.
gnomAD v4.1: 12 of 1,613,626 alleles (0.00074%); highest among the groups gnomAD compares: Non-Finnish European, 0.001%; no homozygotes.

Submission:

Labcorp Genetics (formerly Invitae), Labcorp
Classification: Uncertain significance. Last evaluated: 2021-12-21. Review status: criteria provided, single submitter. Criteria: Invitae Variant Classification Sherloc (09022015). Collection method: clinical testing. Allele origin: germline.
Comment: This variant is not present in population databases (gnomAD no frequency). This sequence change replaces serine, which is neutral and polar, with asparagine, which is neutral and polar, at codon 277 of the C6 protein (p.Ser277Asn). This variant has not been reported in the literature in individuals affected with C6-related conditions. In summary, the available evidence is currently insufficient to determine the role of this variant in disease. Therefore, it has been classified as a Variant of Uncertain Significance. Algorithms developed to predict the effect of missense changes on protein structure and function output the following: SIFT: "Tolerated"; PolyPhen-2: "Benign"; Align-GVGD: "Class C0". The asparagine amino acid residue is found in multiple mammalian species, which suggests that this missense change does not adversely affect protein function.